The following is an entry in ClinVar:

ClinVar aggregate classification (germline): Uncertain significance (1 of 4 stars; one submission).

Allele frequency attached by ClinVar (database versions not stated): gnomAD 0.00001; gnomAD exomes 0.00001 and 0.00002; TOPMed 0.00001; ExAC 0.00002.
gnomAD v4.1: 26 of 1,613,602 alleles (0.0016%); highest among the groups gnomAD compares: East Asian, 0.04%; no homozygotes.

Submission:

Labcorp Genetics (formerly Invitae), Labcorp
Classification: Uncertain significance. Last evaluated: 2022-06-19. Review status: criteria provided, single submitter. Criteria: Invitae Variant Classification Sherloc (09022015). Collection method: clinical testing. Allele origin: germline.
Comment: This sequence change replaces serine, which is neutral and polar, with proline, which is neutral and non-polar, at codon 1144 of the PCLO protein (p.Ser1144Pro). This variant is present in population databases (rs768078917, gnomAD 0.02%). This variant has not been reported in the literature in individuals affected with PCLO-related conditions. Algorithms developed to predict the effect of missense changes on protein structure and function output the following: SIFT: "Tolerated"; PolyPhen-2: "Not Available"; Align-GVGD: "Class C0". The proline amino acid residue is found in multiple mammalian species, which suggests that this missense change does not adversely affect protein function. In summary, the available evidence is currently insufficient to determine the role of this variant in disease. Therefore, it has been classified as a Variant of Uncertain Significance.

NM_033026.6(PCLO):c.3430T>C (p.Ser1144Pro)

Gene: PCLO (piccolo presynaptic cytomatrix protein; minus strand). Cytogenetic location: 7q21.11.
Variant type: single nucleotide variant.
Coding change: c.3430T>C on transcript NM_033026.6 (MANE Select); coding-DNA position 3430, T replaced by C.
Protein change: p.Ser1144Pro; replaces serine 1144 with proline.
Molecular consequence: missense variant.
Genome position (GRCh38, 1-based): chr7:82,966,358, A>G on the plus strand (T>C on the coding strand, the complement: PCLO is on the minus strand). VCF-style: chr7-82966358-A-G. GRCh37 (hg19) VCF-style: chr7-82595674-A-G.
Other names: c.3430T>C, p.Ser1144Pro (NM_014510.3); short protein forms S1144P.
Identifiers: ClinVar variation 1467167 (VCV001467167.5), dbSNP rs768078917, ClinGen allele CA4321041.